The following is an entry in ClinVar:

NM_016580.4(PCDH12):c.2842C>T (p.Pro948Ser)

Genes: PCDH12 (protocadherin 12; minus strand), RNF14 (ring finger protein 14; plus strand). Cytogenetic location: 5q31.3.
Variant type: single nucleotide variant.
Coding change: c.2842C>T on transcript NM_016580.4 (MANE Select); coding-DNA position 2842, C replaced by T.
Protein change: p.Pro948Ser; replaces proline 948 with serine.
Molecular consequence: missense variant.
Genome position (GRCh38, 1-based): chr5:141,955,010, G>A on the plus strand (C>T on the coding strand, the complement: PCDH12 is on the minus strand). VCF-style: chr5-141955010-G-A. GRCh37 (hg19) VCF-style: chr5-141334575-G-A.
Other names: short protein forms P948S.
Identifiers: ClinVar variation 1405635 (VCV001405635.4), dbSNP rs773810499, ClinGen allele CA3484120.

ClinVar aggregate classification (germline): Uncertain significance (1 of 4 stars; one submission).

Allele frequency attached by ClinVar (database versions not stated): gnomAD exomes below 0.00001; ExAC 0.00001; TOPMed 0.00001.
gnomAD v4.1: 1 of 1,614,098 alleles (0.000062%); highest among the groups gnomAD compares: Middle Eastern, 0.017%; no homozygotes.

Submission:

Labcorp Genetics (formerly Invitae), Labcorp
Classification: Uncertain significance. Last evaluated: 2023-12-18. Review status: criteria provided, single submitter. Criteria: Invitae Variant Classification Sherloc (09022015). Collection method: clinical testing. Allele origin: germline.
Comment: This sequence change replaces proline, which is neutral and non-polar, with serine, which is neutral and polar, at codon 948 of the PCDH12 protein (p.Pro948Ser). This variant is present in population databases (rs773810499, gnomAD 0.0009%). This variant has not been reported in the literature in individuals affected with PCDH12-related conditions. ClinVar contains an entry for this variant (Variation ID: 1405635). Advanced modeling of protein sequence and biophysical properties (such as structural, functional, and spatial information, amino acid conservation, physicochemical variation, residue mobility, and thermodynamic stability) performed at Invitae indicates that this missense variant is not expected to disrupt PCDH12 protein function with a negative predictive value of 95%. In summary, the available evidence is currently insufficient to determine the role of this variant in disease. Therefore, it has been classified as a Variant of Uncertain Significance.